The following is an entry in ClinVar:

NM_015915.5(ATL1):c.336G>A (p.Trp112Ter)

Gene: ATL1 (atlastin GTPase 1; plus strand). Cytogenetic location: 14q22.1.
Variant type: single nucleotide variant.
Coding change: c.336G>A on transcript NM_015915.5 (MANE Select); coding-DNA position 336, G replaced by A.
Protein change: p.Trp112Ter; replaces tryptophan 112 with a stop codon.
Molecular consequence: nonsense.
Genome position (GRCh38, 1-based): chr14:50,590,994, G>A. VCF-style: chr14-50590994-G-A. GRCh37 (hg19) VCF-style: chr14-51057712-G-A.
Other names: c.336G>A, p.Trp112Ter (NM_001127713.1, NM_181598.4); short protein forms W112*.
Identifiers: ClinVar variation 2860253 (VCV002860253.3), dbSNP rs2504492104, ClinGen allele CA389666609.

ClinVar aggregate classification (germline): Pathogenic (1 of 4 stars; one submission).

Conditions:
Hereditary spastic paraplegia 3A (SPG3A). Also called: SPASTIC PARAPLEGIA 3, AUTOSOMAL DOMINANT; FAMILIAL SPASTIC PARAPLEGIA, AUTOSOMAL DOMINANT, 1; SPG3; STRUMPELL DISEASE; Spastic Paraplegia 3A; Spastic paraplegia 3A, autosomal dominant. Identifiers: Orphanet 100984, MedGen C2931355, MONDO:0008437, OMIM 182600.

Submission:

Labcorp Genetics (formerly Invitae), Labcorp
Classification: Pathogenic for Hereditary spastic paraplegia 3A. Last evaluated: 2023-04-28. Review status: criteria provided, single submitter. Criteria: Invitae Variant Classification Sherloc (09022015). Collection method: clinical testing. Allele origin: germline.
Comment: For these reasons, this variant has been classified as Pathogenic. This variant has not been reported in the literature in individuals affected with ATL1-related conditions. This variant is not present in population databases (gnomAD no frequency). This sequence change creates a premature translational stop signal (p.Trp112*) in the ATL1 gene. It is expected to result in an absent or disrupted protein product. Loss-of-function variants in ATL1 are known to be pathogenic (PMID: 26888483).

Literature cited by the submitters: PubMed 26888483.